The following is an entry in ClinVar:

ClinVar aggregate classification (germline): Pathogenic (1 of 4 stars; one submission).

Conditions:
Fanconi anemia (FA). Also called: Fanconi's anemia. Identifiers: Orphanet 84, MedGen C0015625, MeSH D005199, MONDO:0019391.

Submission:

Labcorp Genetics (formerly Invitae), Labcorp
Classification: Pathogenic for Fanconi anemia. Last evaluated: 2023-08-14. Review status: criteria provided, single submitter. Criteria: Invitae Variant Classification Sherloc (09022015). Collection method: clinical testing. Allele origin: germline.
Comment: For these reasons, this variant has been classified as Pathogenic. This variant has not been reported in the literature in individuals affected with FANCB-related conditions. A gross deletion of the genomic region encompassing the full coding sequence of the FANCB gene has been identified. Loss-of-function variants in FANCB are known to be pathogenic (PMID: 15502827, 23613520). The boundaries of this event are unknown as they extend beyond the assayed region for this gene and therefore may encompass additional genes.

Literature cited by the submitters: PubMed 15502827; PubMed 23613520.

NC_000023.10:g.(?_14861689)_(14891184_?)del

Gene: FANCB (FA complementation group B; minus strand). Cytogenetic location: Xp22.2.
Variant type: Deletion.
Identifiers: ClinVar variation 2423478 (VCV002423478.4).